The following is an entry in ClinVar:

NM_001377.3(DYNC2H1):c.6477G>A (p.Gln2159=)

Gene: DYNC2H1 (dynein cytoplasmic 2 heavy chain 1; plus strand). Cytogenetic location: 11q22.3.
Variant type: single nucleotide variant.
Coding change: c.6477G>A on transcript NM_001377.3 (MANE Select); coding-DNA position 6477, G replaced by A.
Protein change: p.Gln2159=; no amino-acid change (glutamine 2159 retained).
Molecular consequence: synonymous variant.
Genome position (GRCh38, 1-based): chr11:103,181,886, G>A. VCF-style: chr11-103181886-G-A. GRCh37 (hg19) VCF-style: chr11-103052615-G-A.
Other names: c.6477G>A, p.Gln2159= (NM_001080463.2).
Identifiers: ClinVar variation 2579640 (VCV002579640.2), dbSNP rs752962611, ClinGen allele CA6253971.

ClinVar aggregate classification (germline): Likely pathogenic (0 of 4 stars; one submission).

Conditions:
Asphyxiating thoracic dystrophy 3. Also called: SHORT-RIB THORACIC DYSPLASIA 3 WITH OR WITHOUT POLYDACTYLY; POLYDACTYLY WITH NEONATAL CHONDRODYSTROPHY, TYPE I; SHORT-RIB THORACIC DYSPLASIA 3/6 WITH POLYDACTYLY, DIGENIC; Short rib polydactyly syndrome 2B; Saldino-Noonan Syndrome. Identifiers: Orphanet 474, Orphanet 93269, Orphanet 93270, Orphanet 93271, MedGen C0036069, MONDO:0013127, OMIM 613091.

Allele frequency attached by ClinVar (database versions not stated): ExAC 0.00001.

Submission:

Department Of Medical Genetics, Faculty Of Medicine, Ege University
Classification: Likely pathogenic for Asphyxiating thoracic dystrophy 3. Review status: no assertion criteria provided. Collection method: clinical testing. Allele origin: maternal. Inheritance: Autosomal recessive inheritance. Affected: yes. Observed: 1 compound heterozygote.
Comment: The c.6477G>A substitution is a synonymous mutation in the end of exon 40 of the DYNC2H1 gene, located in the splice region. In-silico predictions were aggregated deleterious for this variant. Variant was classified as variant of unknown significance (VUS) according to the recommendations of American College of Medical Genetics (ACMG) Standard and Guidelines. After the segregation of the parents, the variant was interpreted as likely pathogenic according to the ACMG classification.